The following is an entry in ClinVar:

NM_007118.4(TRIO):c.5056C>G (p.Leu1686Val)

Gene: TRIO (trio Rho guanine nucleotide exchange factor; plus strand). Cytogenetic location: 5p15.2.
Variant type: single nucleotide variant.
Coding change: c.5056C>G on transcript NM_007118.4 (MANE Select); coding-DNA position 5056, C replaced by G.
Protein change: p.Leu1686Val; replaces leucine 1686 with valine.
Molecular consequence: missense variant. On other transcripts: non-coding transcript variant (1).
Genome position (GRCh38, 1-based): chr5:14,419,874, C>G. VCF-style: chr5-14419874-C-G. GRCh37 (hg19) VCF-style: chr5-14419983-C-G.
Other names: short protein forms L1686V.
Identifiers: ClinVar variation 977357 (VCV000977357.4), dbSNP rs749494831, ClinGen allele CA359206789.

ClinVar aggregate classification (germline): Uncertain significance. Review status: criteria provided, multiple submitters, no conflicts (2 of 4 stars). 2 submissions from 2 submitters: Uncertain significance (2). Last evaluated 2026-06-12.

Conditions:
Intellectual developmental disorder, autosomal dominant 44, with microcephaly. Also called: Micrognathia-recurrent infections-behavioral abnormalities-mild intellectual disability syndrome; TRIO-Related Intellectual Disability. Identifiers: Orphanet 476126, MedGen C4310740, MONDO:0014892, OMIM 617061.

Allele frequency attached by ClinVar (database versions not stated): gnomAD exomes below 0.00001.
gnomAD v4.1: 1 of 1,614,164 alleles (0.000062%); highest among the groups gnomAD compares: Non-Finnish European, 0.000085%; no homozygotes.

Submissions (2):

Women's Health and Genetics/Laboratory Corporation of America, LabCorp
Classification: Uncertain significance. Last evaluated: 2026-06-12. Review status: criteria provided, single submitter. Criteria: LabCorp Variant Classification Summary - May 2015. Collection method: clinical testing. Allele origin: germline.
Comment: Variant summary: TRIO c.5056C>G (p.Leu1686Val) results in a conservative amino acid change in the encoded protein sequence. Algorithms developed to predict the effect of missense changes on protein structure and function are either unavailable or do not agree on the potential impact of this missense change. The variant was absent in 251006 control chromosomes. The available data on variant occurrences in the general population are insufficient to allow any conclusion about variant significance. To our knowledge, no occurrence of c.5056C>G in individuals affected with TRIO-related conditions and no experimental evidence demonstrating its impact on protein function have been reported. ClinVar contains an entry for this variant (Variation ID: 977357). Based on the evidence outlined above, the variant was classified as uncertain significance.

New York Genome Center
Classification: Uncertain significance for Intellectual developmental disorder, autosomal dominant 44, with microcephaly. Last evaluated: 2020-02-25. Review status: criteria provided, single submitter. Criteria: NYGC Assertion Criteria 2020. Collection method: clinical testing. Allele origin: inherited. Observed: 1 heterozygote. Study: CSER-NYCKidSeq.